The following is an entry in ClinVar:

NM_198060.4(NRAP):c.2320G>A (p.Ala774Thr)

Gene: NRAP (nebulin related anchoring protein; minus strand). Cytogenetic location: 10q25.3.
Variant type: single nucleotide variant.
Coding change: c.2320G>A on transcript NM_198060.4 (MANE Select); coding-DNA position 2320, G replaced by A.
Protein change: p.Ala774Thr; replaces alanine 774 with threonine.
Molecular consequence: missense variant.
Genome position (GRCh38, 1-based): chr10:113,624,855, C>T on the plus strand (G>A on the coding strand, the complement: NRAP is on the minus strand). VCF-style: chr10-113624855-C-T. GRCh37 (hg19) VCF-style: chr10-115384614-C-T.
Other names: c.2320G>A, p.Ala774Thr (NM_001261463.2, NM_001322945.2); c.2215G>A, p.Ala739Thr (NM_006175.5); short protein forms A739T, A774T.
Identifiers: ClinVar variation 3895142 (VCV003895142.1), dbSNP rs1175665147.
Genomic context (GRCh38, chr10:113,624,855, plus strand): 5'-AGTTCTTGCTGCCCACTCATTCTCTCTGTACCTCGCTGAGATTTGCAGCATTGGCTCGGG[C>T]CTGCAGGAAGAGAGGCTCGTCTTTGCTGATGGTATACTGATGGACAGACTGCTCATTTCC-3'
Protein context (NP_932326.2, residues 764-784): ISKDEPLFLQ[Ala774Thr]RANAANLSEK

ClinVar aggregate classification (germline): Uncertain significance (1 of 4 stars; one submission).

Conditions:
Cardiovascular phenotype. Identifiers: MedGen CN230736.

gnomAD v4.1: 4 of 1,613,964 alleles (0.00025%); highest among the groups gnomAD compares: Non-Finnish European, 0.00025%; no homozygotes.

Submission:

Molecular Diagnostic Laboratory for Inherited Cardiovascular Disease, Montreal Heart Institute
Classification: Uncertain significance for Cardiovascular phenotype. Last evaluated: 2025-04-09. Review status: criteria provided, single submitter. Criteria: ACMG Guidelines, 2015. Collection method: clinical testing. Allele origin: germline. Affected: yes.
Comment: PM2;PP3